The following is an entry in ClinVar:

ClinVar aggregate classification (germline): Uncertain significance (1 of 4 stars; one submission).

Conditions:
Periodic fever-infantile enterocolitis-autoinflammatory syndrome. Also called: Autoinflammation with infantile enterocolitis. Identifiers: Orphanet 436166, MedGen C4015067, MONDO:0014472, OMIM 616050.
Familial cold autoinflammatory syndrome 4 (FCAS4). Identifiers: Orphanet 47045, Orphanet 576349, MedGen C4015276, MONDO:0014498, OMIM 616115.

gnomAD v4.1: 2 of 1,614,202 alleles (0.00012%); highest among the groups gnomAD compares: Admixed American, 0.0033%; no homozygotes.

Submission:

Labcorp Genetics (formerly Invitae), Labcorp
Classification: Uncertain significance for Periodic fever-infantile enterocolitis-autoinflammatory syndrome; Familial cold autoinflammatory syndrome 4. Last evaluated: 2025-11-11. Review status: criteria provided, single submitter. Criteria: Invitae Variant Classification Sherloc (09022015). Collection method: clinical testing. Allele origin: germline.
Comment: This sequence change replaces isoleucine, which is neutral and non-polar, with phenylalanine, which is neutral and non-polar, at codon 483 of the NLRC4 protein (p.Ile483Phe). This variant is present in population databases (no rsID available, gnomAD 0.003%). This variant has not been reported in the literature in individuals affected with NLRC4-related conditions. Invitae Evidence Modeling of protein sequence and biophysical properties (such as structural, functional, and spatial information, amino acid conservation, physicochemical variation, residue mobility, and thermodynamic stability) indicates that this missense variant is not expected to disrupt NLRC4 protein function with a negative predictive value of 80%. In summary, the available evidence is currently insufficient to determine the role of this variant in disease. Therefore, it has been classified as a Variant of Uncertain Significance.

NM_001199138.2(NLRC4):c.1447A>T (p.Ile483Phe)

Gene: NLRC4 (NLR family CARD domain containing 4; minus strand). Cytogenetic location: 2p22.3.
Variant type: single nucleotide variant.
Coding change: c.1447A>T on transcript NM_001199138.2 (MANE Select); coding-DNA position 1447, A replaced by T.
Protein change: p.Ile483Phe; replaces isoleucine 483 with phenylalanine.
Molecular consequence: missense variant. On other transcripts: intron variant (1).
Genome position (GRCh38, 1-based): chr2:32,250,417, T>A on the plus strand (A>T on the coding strand, the complement: NLRC4 is on the minus strand). VCF-style: chr2-32250417-T-A. GRCh37 (hg19) VCF-style: chr2-32475486-T-A.
Other names: c.1447A>T, p.Ile483Phe (NM_021209.5, NM_001199139.2); c.262+2002A>T (NM_001302504.1); short protein forms I483F.
Identifiers: ClinVar variation 4794505 (VCV004794505.1).
Genomic context (GRCh38, chr2:32,250,417, plus strand): 5'-TGGTGGCTTCCACAGATGACCCACAGGTGTACCGGAGCAGGCTGCTATAAGTGGATGTAA[T>A]GTCCGAAATGGAAACCATTTTCTGCAAGTAACCATTCCCCTTGGTCACCTCCTCTGGCTC-3'
Protein context (NP_001186067.1, residues 473-493): YLQKMVSISD[Ile483Phe]TSTYSSLLRY